The following is an entry in ClinVar:

NM_032119.4(ADGRV1):c.6698G>T (p.Gly2233Val)

Gene: ADGRV1 (adhesion G protein-coupled receptor V1; plus strand). Cytogenetic location: 5q14.3.
Variant type: single nucleotide variant.
Coding change: c.6698G>T on transcript NM_032119.4 (MANE Select); coding-DNA position 6698, G replaced by T.
Protein change: p.Gly2233Val; replaces glycine 2233 with valine.
Molecular consequence: missense variant. On other transcripts: non-coding transcript variant (1).
Genome position (GRCh38, 1-based): chr5:90,690,068, G>T. VCF-style: chr5-90690068-G-T. GRCh37 (hg19) VCF-style: chr5-89985885-G-T.
Other names: short protein forms G2233V.
Identifiers: ClinVar variation 1054856 (VCV001054856.7), dbSNP rs1434927865, ClinGen allele CA360367055.
Genomic context (GRCh38, chr5:90,690,068, plus strand): 5'-CCAGACTAGGGGCTTTAACAGAGGCAGTCATTATTATTGAGGCCTCTGATGACCCCTATG[G>T]ATTATTTGGTATGAAGACTAATTTATGTCTCTCTTTGACTTGTCTGCATGTATAGATCAT-3'
Protein context (NP_115495.3, residues 2223-2243): IIIEASDDPY[Gly2233Val]LFGFQITKLI

ClinVar aggregate classification (germline): Uncertain significance. Review status: criteria provided, multiple submitters, no conflicts (2 of 4 stars). 2 submissions from 2 submitters: Uncertain significance (2). Last evaluated 2022-10-17.

Allele frequency attached by ClinVar (database versions not stated): gnomAD 0.00001.
gnomAD v4.1: 2 of 1,536,112 alleles (0.00013%); highest among the groups gnomAD compares: Non-Finnish European, 0.00018%; no homozygotes.

Submissions (2):

Labcorp Genetics (formerly Invitae), Labcorp
Classification: Uncertain significance. Last evaluated: 2022-10-17. Review status: criteria provided, single submitter. Criteria: Invitae Variant Classification Sherloc (09022015). Collection method: clinical testing. Allele origin: germline.
Comment: This sequence change replaces glycine, which is neutral and non-polar, with valine, which is neutral and non-polar, at codon 2233 of the ADGRV1 protein (p.Gly2233Val). This variant is not present in population databases (gnomAD no frequency). This variant has not been reported in the literature in individuals affected with ADGRV1-related conditions. ClinVar contains an entry for this variant (Variation ID: 1054856). Advanced modeling of protein sequence and biophysical properties (such as structural, functional, and spatial information, amino acid conservation, physicochemical variation, residue mobility, and thermodynamic stability) has been performed at Invitae for this missense variant, however the output from this modeling did not meet the statistical confidence thresholds required to predict the impact of this variant on ADGRV1 protein function. In summary, the available evidence is currently insufficient to determine the role of this variant in disease. Therefore, it has been classified as a Variant of Uncertain Significance.

Blueprint Genetics
Classification: Uncertain significance. Last evaluated: 2020-06-04. Review status: criteria provided, single submitter. Criteria: ACMG Guidelines, 2015. Collection method: clinical testing. Allele origin: germline.